The following is an entry in ClinVar:

ClinVar aggregate classification (germline): Uncertain significance. Review status: criteria provided, multiple submitters, no conflicts (2 of 4 stars). 3 submissions from 3 submitters: Uncertain significance (3). Last evaluated 2025-04-28.

Conditions:
Fanconi anemia complementation group P. Also called: SLX4-Related Fanconi Anemia. Identifiers: Orphanet 84, MedGen C3469542, MONDO:0013499, OMIM 613951.
Fanconi anemia (FA). Also called: Fanconi's anemia. Identifiers: Orphanet 84, MedGen C0015625, MeSH D005199, MONDO:0019391.
Inborn genetic diseases. Identifiers: MedGen C0950123, MeSH D030342.

Allele frequency attached by ClinVar (database versions not stated): gnomAD exomes 0.00001; TOPMed 0.00001; gnomAD 0.00002.
gnomAD v4.1: 10 of 1,614,062 alleles (0.00062%); highest among the groups gnomAD compares: Admixed American, 0.012%; no homozygotes.

Submissions (3):

Ambry Genetics
Classification: Uncertain significance for Inborn genetic diseases. Last evaluated: 2025-04-28. Review status: criteria provided, single submitter. Criteria: Ambry Variant Classification Scheme 2023. Collection method: clinical testing. Allele origin: germline.

Labcorp Genetics (formerly Invitae), Labcorp
Classification: Uncertain significance for Fanconi anemia. Last evaluated: 2023-01-01. Review status: criteria provided, single submitter. Criteria: Invitae Variant Classification Sherloc (09022015). Collection method: clinical testing. Allele origin: germline.
Comment: This sequence change replaces valine, which is neutral and non-polar, with methionine, which is neutral and non-polar, at codon 268 of the SLX4 protein (p.Val268Met). This variant is present in population databases (no rsID available, gnomAD 0.009%). This variant has not been reported in the literature in individuals affected with SLX4-related conditions. ClinVar contains an entry for this variant (Variation ID: 407937). Algorithms developed to predict the effect of missense changes on protein structure and function output the following: SIFT: "Tolerated"; PolyPhen-2: "Benign"; Align-GVGD: "Class C0". The methionine amino acid residue is found in multiple mammalian species, which suggests that this missense change does not adversely affect protein function. In summary, the available evidence is currently insufficient to determine the role of this variant in disease. Therefore, it has been classified as a Variant of Uncertain Significance.

Fulgent Genetics
Classification: Uncertain significance for Fanconi anemia complementation group P. Last evaluated: 2021-11-30. Review status: criteria provided, single submitter. Criteria: ACMG Guidelines, 2015. Collection method: clinical testing. Allele origin: unknown.

NM_032444.4(SLX4):c.802G>A (p.Val268Met)

Gene: SLX4 (SLX4 structure-specific endonuclease subunit; minus strand). Cytogenetic location: 16p13.3.
Variant type: single nucleotide variant.
Coding change: c.802G>A on transcript NM_032444.4 (MANE Select); coding-DNA position 802, G replaced by A.
Protein change: p.Val268Met; replaces valine 268 with methionine.
Molecular consequence: missense variant.
Genome position (GRCh38, 1-based): chr16:3,602,266, C>T on the plus strand (G>A on the coding strand, the complement: SLX4 is on the minus strand). VCF-style: chr16-3602266-C-T. GRCh37 (hg19) VCF-style: chr16-3652267-C-T.
Other names: c.802G>A (LRG_503t1); short protein forms V268M.
Identifiers: ClinVar variation 407937 (VCV000407937.13), dbSNP rs1060501798, ClinGen allele CA16614913.